The following is an entry in ClinVar:

NM_000548.5(TSC2):c.3368G>T (p.Gly1123Val)

Gene: TSC2 (TSC complex subunit 2; plus strand). Cytogenetic location: 16p13.3.
Variant type: single nucleotide variant.
Coding change: c.3368G>T on transcript NM_000548.5 (MANE Select); coding-DNA position 3368, G replaced by T.
Protein change: p.Gly1123Val; replaces glycine 1123 with valine.
Molecular consequence: missense variant. On other transcripts: non-coding transcript variant (5).
Genome position (GRCh38, 1-based): chr16:2,079,640, G>T. VCF-style: chr16-2079640-G-T. GRCh37 (hg19) VCF-style: chr16-2129641-G-T.
Other names: c.1895G>T, p.Gly632Val (NM_001406690.1, NM_001406692.1, NM_001406693.1 and 1 more transcripts); c.1892G>T, p.Gly631Val (NM_001406691.1, NM_001406695.1, NM_001406696.1 and 1 more transcripts); c.1634G>T, p.Gly545Val (NM_001406698.1); c.3239G>T, p.Gly1080Val (NM_021055.3, NM_001363528.2, NM_001370405.1); c.3236G>T, p.Gly1079Val (NM_001077183.3, NM_001370404.1, NM_001406665.1); c.3368G>T, p.Gly1123Val (NM_001114382.3); c.3128G>T, p.Gly1043Val (NM_001318827.2); c.3092G>T, p.Gly1031Val (NM_001318829.2); and 18 more; short protein forms G1031V, G1075V, G1076V, G1109V, G545V, G632V, G675V, G923V.
Identifiers: ClinVar variation 3811313 (VCV003811313.1).

ClinVar aggregate classification (germline): Uncertain significance (1 of 4 stars; one submission).

Conditions:
Hereditary cancer-predisposing syndrome. Also called: Neoplastic Syndromes, Hereditary; Hereditary Cancer Syndrome; Tumor predisposition; Hereditary neoplastic syndrome. Identifiers: Orphanet 140162, MedGen C0027672, MeSH D009386, MONDO:0015356.

Submission:

Ambry Genetics
Classification: Uncertain significance for Hereditary cancer-predisposing syndrome. Last evaluated: 2024-12-16. Review status: criteria provided, single submitter. Criteria: Ambry Variant Classification Scheme 2023. Collection method: clinical testing. Allele origin: germline.
Comment: The p.G1123V variant (also known as c.3368G>T), located in coding exon 28 of the TSC2 gene, results from a G to T substitution at nucleotide position 3368. The glycine at codon 1123 is replaced by valine, an amino acid with dissimilar properties. This amino acid position is conserved. In addition, the in silico prediction for this alteration is inconclusive. Based on the available evidence, the clinical significance of this variant remains unclear.